The following is an entry in ClinVar:

ClinVar aggregate classification (germline): Uncertain significance. Review status: criteria provided, multiple submitters, no conflicts (2 of 4 stars). 2 submissions from 2 submitters: Uncertain significance (2). Last evaluated 2023-03-24.

Conditions:
von Willebrand disease type 2 (VWD2). Also called: VON WILLEBRAND DISEASE, TYPE 2A/IIE; VON WILLEBRAND DISEASE, TYPE 2CB; VON WILLEBRAND DISEASE, TYPE II; VWD, TYPE 2. Identifiers: Orphanet 166081, Orphanet 903, MedGen C1264040, MONDO:0013304, OMIM 613554.

Allele frequency attached by ClinVar (database versions not stated): TOPMed 0.00009; ExAC 0.00002; gnomAD 0.00004; gnomAD exomes 0.00004; ESP Exome Variant Server 0.00008.
gnomAD v4.1: 61 of 1,614,038 alleles (0.0038%); highest among the groups gnomAD compares: Admixed American, 0.013%; no homozygotes.

Submissions (2):

GeneDx
Classification: Uncertain significance. Last evaluated: 2023-03-24. Review status: criteria provided, single submitter. Criteria: GeneDx Variant Classification Process June 2021. Collection method: clinical testing. Allele origin: germline. Affected: yes.
Comment: Reported in association with type 3 von Willebrand disease in the published literature, although additional clinical information and familial segregation data were not provided (Veyradier et al., 2016); In silico analysis supports that this missense variant has a deleterious effect on protein structure/function; This variant is associated with the following publications: (PMID: 26986123)

ISTH-SSC Genomics in Thrombosis and Hemostasis, KU Leuven, Center for Molecular and Vascular Biology
Classification: Uncertain significance for von Willebrand disease type 2. Review status: criteria provided, single submitter. Criteria: ACMG Guidelines, 2015. Collection method: clinical testing. Allele origin: germline. Affected: yes. Observed: 1 compound heterozygote.
Comment: Submitted to GoldVariant by Kathleen Freson, Center for Molecular and Vascular Biology, Leuven, Belgium

NM_000552.5(VWF):c.1339C>T (p.Arg447Trp)

Gene: VWF (von Willebrand factor; minus strand). Cytogenetic location: 12p13.31.
Variant type: single nucleotide variant.
Coding change: c.1339C>T on transcript NM_000552.5 (MANE Select); coding-DNA position 1339, C replaced by T.
Protein change: p.Arg447Trp; replaces arginine 447 with tryptophan.
Molecular consequence: missense variant.
Genome position (GRCh38, 1-based): chr12:6,064,339, G>A on the plus strand (C>T on the coding strand, the complement: VWF is on the minus strand). VCF-style: chr12-6064339-G-A. GRCh37 (hg19) VCF-style: chr12-6173505-G-A.
Other names: c.1339C>T (NM_000552.3); short protein forms R447W.
Identifiers: ClinVar variation 1703813 (VCV001703813.2), dbSNP rs372495746, ClinGen allele CA6403445.